The following is an entry in ClinVar:

ClinVar aggregate classification (germline): Uncertain significance (1 of 4 stars; one submission).

Allele frequency attached by ClinVar (database versions not stated): gnomAD 0.00001; ExAC 0.00002; gnomAD exomes 0.00002 and 0.00003; TOPMed 0.00002.

Submission:

Labcorp Genetics (formerly Invitae), Labcorp
Classification: Uncertain significance. Last evaluated: 2022-07-12. Review status: criteria provided, single submitter. Criteria: Invitae Variant Classification Sherloc (09022015). Collection method: clinical testing. Allele origin: germline.
Comment: This sequence change replaces valine, which is neutral and non-polar, with methionine, which is neutral and non-polar, at codon 750 of the AP3B2 protein (p.Val750Met). This variant is present in population databases (rs771862976, gnomAD 0.004%). This variant has not been reported in the literature in individuals affected with AP3B2-related conditions. ClinVar contains an entry for this variant (Variation ID: 1418226). Algorithms developed to predict the effect of missense changes on protein structure and function are either unavailable or do not agree on the potential impact of this missense change (SIFT: "Tolerated"; PolyPhen-2: "Possibly Damaging"; Align-GVGD: "Class C0"). In summary, the available evidence is currently insufficient to determine the role of this variant in disease. Therefore, it has been classified as a Variant of Uncertain Significance.

NM_001278512.2(AP3B2):c.2305G>A (p.Val769Met)

Genes: AP3B2 (adaptor related protein complex 3 subunit beta 2; minus strand), CPEB1-AS1 (CPEB1 antisense RNA 1; plus strand). Cytogenetic location: 15q25.2.
Variant type: single nucleotide variant.
Coding change: c.2305G>A on transcript NM_001278512.2 (MANE Select); coding-DNA position 2305, G replaced by A.
Protein change: p.Val769Met; replaces valine 769 with methionine.
Molecular consequence: missense variant.
Genome position (GRCh38, 1-based): chr15:82,663,932, C>T on the plus strand (G>A on the coding strand, the complement: AP3B2 is on the minus strand). VCF-style: chr15-82663932-C-T. GRCh37 (hg19) VCF-style: chr15-83332684-C-T.
Other names: c.2152G>A, p.Val718Met (NM_001278511.2); c.2248G>A, p.Val750Met (NM_004644.5); short protein forms V750M, V769M, V718M.
Identifiers: ClinVar variation 1418226 (VCV001418226.5), dbSNP rs771862976, ClinGen allele CA7699953.